The following is an entry in ClinVar:

NM_003322.6(TULP1):c.728A>C (p.Lys243Thr)

Gene: TULP1 (TUB like protein 1; minus strand). Cytogenetic location: 6p21.31.
Variant type: single nucleotide variant.
Coding change: c.728A>C on transcript NM_003322.6 (MANE Select); coding-DNA position 728, A replaced by C.
Protein change: p.Lys243Thr; replaces lysine 243 with threonine.
Molecular consequence: missense variant.
Genome position (GRCh38, 1-based): chr6:35,509,303, T>G on the plus strand (A>C on the coding strand, the complement: TULP1 is on the minus strand). VCF-style: chr6-35509303-T-G. GRCh37 (hg19) VCF-style: chr6-35477080-T-G.
Other names: c.569A>C, p.Lys190Thr (NM_001289395.2); short protein forms K243T, K190T.
Identifiers: ClinVar variation 1397979 (VCV001397979.4), dbSNP rs773686857, ClinGen allele CA3772818.

ClinVar aggregate classification (germline): Uncertain significance (1 of 4 stars; one submission).

Allele frequency attached by ClinVar (database versions not stated): gnomAD exomes 0.00003; ExAC 0.00002.
gnomAD v4.1: 9 of 1,614,010 alleles (0.00056%); highest among the groups gnomAD compares: Admixed American, 0.012%; no homozygotes.

Submission:

Labcorp Genetics (formerly Invitae), Labcorp
Classification: Uncertain significance. Last evaluated: 2026-01-12. Review status: criteria provided, single submitter. Criteria: Invitae Variant Classification Sherloc (09022015). Collection method: clinical testing. Allele origin: germline.
Comment: This sequence change replaces lysine, which is basic and polar, with threonine, which is neutral and polar, at codon 243 of the TULP1 protein (p.Lys243Thr). This variant is present in population databases (rs773686857, gnomAD 0.02%). This variant has not been reported in the literature in individuals affected with TULP1-related conditions. ClinVar contains an entry for this variant (Variation ID: 1397979). Invitae Evidence Modeling of protein sequence and biophysical properties (such as structural, functional, and spatial information, amino acid conservation, physicochemical variation, residue mobility, and thermodynamic stability) has been performed for this missense variant. However, the output from this modeling did not meet the statistical confidence thresholds required to predict the impact of this variant on TULP1 protein function. In summary, the available evidence is currently insufficient to determine the role of this variant in disease. Therefore, it has been classified as a Variant of Uncertain Significance.